The following is an entry in ClinVar:

NM_001999.4(FBN2):c.4223-178A>G

Gene: FBN2 (fibrillin 2; minus strand). Cytogenetic location: 5q23.3.
Variant type: single nucleotide variant.
Coding change: c.4223-178A>G on transcript NM_001999.4 (MANE Select); 178 bases into the intron before coding-DNA position 4223, A replaced by G.
Molecular consequence: intron variant.
Genome position (GRCh38, 1-based): chr5:128,330,873, T>C on the plus strand (A>G on the coding strand, the complement: FBN2 is on the minus strand). VCF-style: chr5-128330873-T-C. GRCh37 (hg19) VCF-style: chr5-127666565-T-C.
Identifiers: ClinVar variation 672320 (VCV000672320.1), dbSNP rs469722, ClinGen allele CA12105952.

ClinVar aggregate classification (germline): Benign (1 of 4 stars; one submission).

Allele frequency attached by ClinVar (database versions not stated): 1000 Genomes Project 0.24221; 1000 Genomes Project 30x 0.24250; gnomAD 0.30485; TOPMed 0.31096.
gnomAD v4.1: 45,697 of 152,102 alleles (30%); highest among the groups gnomAD compares: Non-Finnish European, 35%; 7,207 homozygotes.

Submission:

GeneDx
Classification: Benign. Last evaluated: 2018-06-14. Review status: criteria provided, single submitter. Criteria: GeneDx Variant Classification (06012015). Collection method: clinical testing. Allele origin: germline. Affected: yes.
Comment: This variant is considered likely benign or benign based on one or more of the following criteria: it is a conservative change, it occurs at a poorly conserved position in the protein, it is predicted to be benign by multiple in silico algorithms, and/or has population frequency not consistent with disease.